The following is an entry in ClinVar:

ClinVar aggregate classification (germline): Pathogenic/Likely pathogenic. Review status: criteria provided, multiple submitters, no conflicts (2 of 4 stars). 3 submissions from 3 submitters: Pathogenic (1); Likely pathogenic (1). 1 of the submissions does not count toward it. Last evaluated 2024-02-09.

Conditions:
Charcot-Marie-Tooth Neuropathy X. Identifiers: MedGen CN118851.
Charcot-Marie-Tooth disease X-linked dominant 1. Also called: X-linked Charcot-Marie-Tooth disease type 1; GJB1 Disorders: Charcot-Marie-Tooth Neuropathy (CMT1X) and Central Nervous System Phenotypes; HEREDITARY MOTOR AND SENSORY NEUROPATHY, X-LINKED; HMSN, X-LINKED; Charcot-Marie-Tooth Neuropathy X Type 1; CHARCOT-MARIE-TOOTH NEUROPATHY, X-LINKED, 1. Identifiers: Orphanet 101075, MedGen C0393808, MONDO:0010549, OMIM 302800.

Submissions (3):

Pittsburgh Clinical Genomics Laboratory, University of Pittsburgh Medical Center
Classification: Likely pathogenic for Charcot-Marie-Tooth disease X-linked dominant 1. Last evaluated: 2024-02-09. Review status: criteria provided, single submitter. Criteria: ACMG Guidelines, 2015. Collection method: clinical testing. Allele origin: germline. Inheritance: X-linked dominant inheritance. Affected: yes.
Comment: This sequence variant is a single nucleotide deletion at coding position 622 of the GJB1 gene which results in an early termination signal 45 codons downstream of the frameshift introduced at codon 208. As it occurs in the final exon, this variant is not expected to result in nonsense-mediated decay; however, the 76 terminal amino acids of the gap junction protein beta 1 protein (about 27% of the protein) are replaced with 44 alternate amino acids. This is a previously reported variant (ClinVar 1460272) that has been observed in at least one individual affected by Chacot-Marie-Tooth disease (PMID: 25614874). This variant is absent from the gnomAD population database (0/~1096700 alleles). Downstream truncating and frameshifting variants in GJB1 have been shown to disrupt protein function and segregate with disease (PMID: 8829637; see also ClinVar 10435, 620115, 637164). Based upon the evidence, we consider this variant to be likely pathogenic. ACMG Criteria: PM2, PVS1

Labcorp Genetics (formerly Invitae), Labcorp
Classification: Pathogenic for Charcot-Marie-Tooth Neuropathy X. Last evaluated: 2023-11-10. Review status: criteria provided, single submitter. Criteria: Invitae Variant Classification Sherloc (09022015). Collection method: clinical testing. Allele origin: germline.
Comment: This sequence change creates a premature translational stop signal (p.Glu208Argfs*45) in the GJB1 gene. While this is not anticipated to result in nonsense mediated decay, it is expected to disrupt the last 76 amino acid(s) of the GJB1 protein. This variant is not present in population databases (gnomAD no frequency). This premature translational stop signal has been observed in individual(s) with Charcot-Marie-Tooth disease (PMID: 25614874). ClinVar contains an entry for this variant (Variation ID: 1460272). This variant disrupts a region of the GJB1 protein in which other variant(s) (p.Arg215Pro) have been determined to be pathogenic (PMID: 27844031; Invitae). This suggests that this is a clinically significant region of the protein, and that variants that disrupt it are likely to be disease-causing. For these reasons, this variant has been classified as Pathogenic.

Inherited Neuropathy Consortium Ii, University Of Miami
Classification: Uncertain significance for Charcot-Marie-Tooth disease X-linked dominant 1. Last evaluated: 2016-01-06. Review status: no assertion criteria provided. Collection method: literature only. Allele origin: germline. Affected: yes. Not counted in ClinVar's aggregate classification.

Literature cited by the submitters: PubMed 25614874 (cited by 3 submitters); PubMed 8829637 (cited by Pittsburgh Clinical Genomics Laboratory, University of Pittsburgh Medical Center); PubMed 27844031 (cited by Labcorp Genetics (formerly Invitae), Labcorp).

NM_000166.6(GJB1):c.622del (p.Glu208fs)

Gene: GJB1 (gap junction protein beta 1; plus strand). Cytogenetic location: Xq13.1.
Variant type: Deletion.
Coding change: c.622del on transcript NM_000166.6 (MANE Select); coding-DNA position 622, one base deleted (G; older notation c.622delG).
Protein change: p.Glu208fs; shifts the reading frame from glutamic acid 208.
Molecular consequence: frameshift variant.
Genome position (GRCh38, 1-based): chrX:71,224,329, G deleted. VCF-style (leftmost placement, unchanged base first): chrX-71224328-CG-C. GRCh37 (hg19) VCF-style: chrX-70444178-CG-C.
Other names: c.622del, p.Glu208fs (NM_001097642.3); c.622del (NM_000166.5); short protein forms E208fs.
Identifiers: ClinVar variation 1460272 (VCV001460272.7), dbSNP rs2147946914, ClinGen allele CA2573159496.